The following is an entry in ClinVar:

NM_000053.4(ATP7B):c.2292C>G (p.Phe764Leu)

Gene: ATP7B (ATPase copper transporting beta; minus strand). Cytogenetic location: 13q14.3.
Variant type: single nucleotide variant.
Coding change: c.2292C>G on transcript NM_000053.4 (MANE Select); coding-DNA position 2292, C replaced by G.
Protein change: p.Phe764Leu; replaces phenylalanine 764 with leucine.
Molecular consequence: missense variant. On other transcripts: intron variant (14).
Genome position (GRCh38, 1-based): chr13:51,958,374, G>C on the plus strand (C>G on the coding strand, the complement: ATP7B is on the minus strand). VCF-style: chr13-51958374-G-C. GRCh37 (hg19) VCF-style: chr13-52532510-G-C.
Other names: c.1959C>G, p.Phe653Leu (NM_001243182.2); c.2040C>G, p.Phe680Leu (NM_001330579.2, NM_001406531.1, NM_001406532.1 and 1 more transcripts); c.2292C>G, p.Phe764Leu (NM_001406511.1, NM_001406512.1, NM_001406513.1 and 7 more transcripts); c.2259C>G, p.Phe753Leu (NM_001406514.1); c.2196C>G, p.Phe732Leu (NM_001406517.1, NM_001406518.1); c.2148C>G, p.Phe716Leu (NM_001406520.1, NM_001406521.1, NM_001406522.1 and 1 more transcripts); c.2115C>G, p.Phe705Leu (NM_001406524.1); c.2052C>G, p.Phe684Leu (NM_001406530.1); and 8 more; short protein forms F621L, F680L, F653L, F716L, F753L, F705L, F732L, F648L.
Identifiers: ClinVar variation 4525825 (VCV004525825.1).
Genomic context (GRCh38, chr13:51,958,374, plus strand): 5'-TGCCAAGTGTTCCAGCCACCGGCCCAGGGCAATGAACACAAAGAGCATGGGGGGCGTGTC[G>C]AAGAATGTCACAGGGCTCCTCTCCGCCTTCTCAGCCACAGCAACCACCAGGATGACCAGA-3'
Protein context (NP_000044.2, residues 754-774): EKAERSPVTF[Phe764Leu]DTPPMLFVFI

ClinVar aggregate classification (germline): Uncertain significance (1 of 4 stars; one submission).

Submission:

Women's Health and Genetics/Laboratory Corporation of America, LabCorp
Classification: Uncertain significance. Last evaluated: 2025-07-17. Review status: criteria provided, single submitter. Criteria: LabCorp Variant Classification Summary - May 2015. Collection method: clinical testing. Allele origin: germline.
Comment: Variant summary: ATP7B c.2292C>G (p.Phe764Leu) results in a non-conservative amino acid change in the encoded protein sequence. Algorithms developed to predict the effect of missense changes on protein structure and function all suggest that this variant is likely to be disruptive. The variant was absent in 249564 control chromosomes. The available data on variant occurrences in the general population are insufficient to allow any conclusion about variant significance. c.2292C>G has been observed in individual(s) affected with Wilson Disease (example: Cheng_2017). These report(s) do not provide unequivocal conclusions about association of the variant with Wilson Disease. To our knowledge, no experimental evidence demonstrating an impact on protein function has been reported. The following publication has been ascertained in the context of this evaluation (PMID: 27982432). No submitters have cited clinical-significance assessments for this variant to ClinVar. Based on the evidence outlined above, the variant was classified as uncertain significance.

Literature cited by the submitters: PubMed 27982432.